The following is an entry in ClinVar:

ClinVar aggregate classification (germline): Pathogenic/Likely pathogenic. Review status: criteria provided, multiple submitters, no conflicts (2 of 4 stars). 3 submissions from 3 submitters: Pathogenic (1); Likely pathogenic (1). 1 of the submissions does not count toward it. Last evaluated 2023-04-27.

Conditions:
Leukocyte adhesion deficiency 1 (LAD1). Also called: LEUKOCYTE ADHESION DEFICIENCY, TYPE I; LAD 1; Lymphocyte function-associated antigen 1 immunodeficiency; LFA 1 immunodeficiency. Identifiers: Orphanet 2968, Orphanet 99842, MedGen C0398738, MONDO:0007293, OMIM 116920.

Allele frequency attached by ClinVar (database versions not stated): gnomAD exomes below 0.00001 and 0.00001.
gnomAD v4.1: 5 of 1,613,996 alleles (0.00031%); highest among the groups gnomAD compares: Non-Finnish European, 0.00042%; no homozygotes.

Submissions (3):

GeneDx
Classification: Likely pathogenic. Last evaluated: 2023-04-27. Review status: criteria provided, single submitter. Criteria: GeneDx Variant Classification Process June 2021. Collection method: clinical testing. Allele origin: germline. Affected: yes.
Comment: Not observed at significant frequency in large population cohorts (gnomAD); In silico analysis supports that this missense variant has a deleterious effect on protein structure/function; This variant is associated with the following publications: (PMID: 34310689, 1590804, 25514840, 28445705, 26497373, 12488604, 29371071, 36696755, 24338230, 22134107)

Labcorp Genetics (formerly Invitae), Labcorp
Classification: Pathogenic for Leukocyte adhesion deficiency 1. Last evaluated: 2022-09-23. Review status: criteria provided, single submitter. Criteria: Invitae Variant Classification Sherloc (09022015). Collection method: clinical testing. Allele origin: germline.
Comment: This missense change has been observed in individual(s) with leukocyte adhesion deficiency (PMID: 1590804, 24338230, 26497373; Invitae). This variant is present in population databases (rs137852615, gnomAD 0.002%). This sequence change replaces aspartic acid, which is acidic and polar, with asparagine, which is neutral and polar, at codon 128 of the ITGB2 protein (p.Asp128Asn). For these reasons, this variant has been classified as Pathogenic. This variant disrupts the p.Asp128 amino acid residue in ITGB2. Other variant(s) that disrupt this residue have been determined to be pathogenic (PMID: 20549317, 25514840, 28445705, 32279896). This suggests that this residue is clinically significant, and that variants that disrupt this residue are likely to be disease-causing. Advanced modeling of protein sequence and biophysical properties (such as structural, functional, and spatial information, amino acid conservation, physicochemical variation, residue mobility, and thermodynamic stability) has been performed at Invitae for this missense variant, however the output from this modeling did not meet the statistical confidence thresholds required to predict the impact of this variant on ITGB2 protein function. ClinVar contains an entry for this variant (Variation ID: 9467).

OMIM
Classification: Pathogenic for LEUKOCYTE ADHESION DEFICIENCY 1. Last evaluated: 1992-05-15. Review status: no assertion criteria provided. Collection method: literature only. Allele origin: germline. Not counted in ClinVar's aggregate classification.

Literature cited by the submitters: PubMed 1590804 (cited by Labcorp Genetics (formerly Invitae), Labcorp and OMIM); PubMed 24338230 (cited by Labcorp Genetics (formerly Invitae), Labcorp); PubMed 26497373 (cited by Labcorp Genetics (formerly Invitae), Labcorp); PubMed 20549317 (cited by Labcorp Genetics (formerly Invitae), Labcorp); PubMed 25514840 (cited by Labcorp Genetics (formerly Invitae), Labcorp); PubMed 28445705 (cited by Labcorp Genetics (formerly Invitae), Labcorp); PubMed 32279896 (cited by Labcorp Genetics (formerly Invitae), Labcorp).

NM_000211.5(ITGB2):c.382G>A (p.Asp128Asn)

Gene: ITGB2 (integrin subunit beta 2; minus strand). Cytogenetic location: 21q22.3.
Variant type: single nucleotide variant.
Coding change: c.382G>A on transcript NM_000211.5 (MANE Select); coding-DNA position 382, G replaced by A.
Protein change: p.Asp128Asn; replaces aspartic acid 128 with asparagine.
Molecular consequence: missense variant.
Genome position (GRCh38, 1-based): chr21:44,903,482, C>T on the plus strand (G>A on the coding strand, the complement: ITGB2 is on the minus strand). VCF-style: chr21-44903482-C-T. GRCh37 (hg19) VCF-style: chr21-46323397-C-T.
Other names: c.382G>A, p.Asp128Asn (NM_001127491.3, LRG_76t1); c.175G>A, p.Asp59Asn (NM_001303238.2); c.382G>A (NM_000211.3); short protein forms D128N, D59N.
Identifiers: ClinVar variation 9467 (VCV000009467.12), dbSNP rs137852615, ClinGen allele CA120465.